The following is an entry in ClinVar:

NM_018896.5(CACNA1G):c.2341G>A (p.Val781Ile)

Gene: CACNA1G (calcium voltage-gated channel subunit alpha1 G; plus strand). Cytogenetic location: 17q21.33.
Variant type: single nucleotide variant.
Coding change: c.2341G>A on transcript NM_018896.5 (MANE Select); coding-DNA position 2341, G replaced by A.
Protein change: p.Val781Ile; replaces valine 781 with isoleucine.
Molecular consequence: missense variant. On other transcripts: non-coding transcript variant (5).
Genome position (GRCh38, 1-based): chr17:50,590,510, G>A. VCF-style: chr17-50590510-G-A. GRCh37 (hg19) VCF-style: chr17-48667871-G-A.
Other names: c.2341G>A, p.Val781Ile (NM_001256324.2, NM_001256325.2, NM_001256326.2 and 24 more transcripts); short protein forms V781I.
Identifiers: ClinVar variation 3826628 (VCV003826628.1).
Genomic context (GRCh38, chr17:50,590,510, plus strand): 5'-ACATCCCACCCTGCCCTGCAGCCCGAGGAGCTTACCAACGCCCTAGAAATCAGCAACATC[G>A]TCTTCACCAGCCTCTTTGCCCTGGAGATGCTGCTGAAGCTGCTTGTGTATGGTCCCTTTG-3'
Protein context (NP_061496.2, residues 771-791): LTNALEISNI[Val781Ile]FTSLFALEML

ClinVar aggregate classification (germline): Uncertain significance (1 of 4 stars; one submission).

Conditions:
Inborn genetic diseases. Identifiers: MedGen C0950123, MeSH D030342.

gnomAD v4.1: 137 of 1,613,790 alleles (0.0085%); highest among the groups gnomAD compares: Admixed American, 0.013%; no homozygotes.

Submission:

Ambry Genetics
Classification: Uncertain significance for Inborn genetic diseases. Last evaluated: 2025-01-30. Review status: criteria provided, single submitter. Criteria: Ambry Variant Classification Scheme 2023. Collection method: clinical testing. Allele origin: germline.
Comment: The c.2341G>A (p.V781I) alteration is located in exon 10 (coding exon 10) of the CACNA1G gene. This alteration results from a G to A substitution at nucleotide position 2341, causing the valine (V) at amino acid position 781 to be replaced by an isoleucine (I). This alteration is predicted to be deleterious by in silico analysis. Based on insufficient or conflicting evidence, the clinical significance of this alteration remains unclear.